The following is an entry in ClinVar:

NM_000981.4(RPL19):c.113-3C>T

Gene: RPL19 (ribosomal protein L19; plus strand). Cytogenetic location: 17q12.
Variant type: single nucleotide variant.
Coding change: c.113-3C>T on transcript NM_000981.4 (MANE Select); 3 bases into the intron before coding-DNA position 113, C replaced by T.
Molecular consequence: intron variant.
Genome position (GRCh38, 1-based): chr17:39,202,314, C>T. VCF-style: chr17-39202314-C-T. GRCh37 (hg19) VCF-style: chr17-37358567-C-T.
Other names: c.107-3C>T (NM_001330200.1).
Identifiers: ClinVar variation 1398346 (VCV001398346.6), dbSNP rs1254669961, ClinGen allele CA625923863.

ClinVar aggregate classification (germline): Uncertain significance (1 of 4 stars; one submission).

Allele frequency attached by ClinVar (database versions not stated): gnomAD exomes below 0.00001; gnomAD 0.00001; TOPMed 0.00001.
gnomAD v4.1: 3 of 1,613,298 alleles (0.00019%); highest among the groups gnomAD compares: Admixed American, 0.005%; no homozygotes.

Submission:

Labcorp Genetics (formerly Invitae), Labcorp
Classification: Uncertain significance. Last evaluated: 2021-05-19. Review status: criteria provided, single submitter. Criteria: Invitae Variant Classification Sherloc (09022015). Collection method: clinical testing. Allele origin: germline.
Comment: In summary, the available evidence is currently insufficient to determine the role of this variant in disease. Therefore, it has been classified as a Variant of Uncertain Significance. Nucleotide substitutions within the consensus splice site are a relatively common cause of aberrant splicing (PMID: 17576681, 9536098). Algorithms developed to predict the effect of sequence changes on RNA splicing suggest that this variant is not likely to affect RNA splicing, but this prediction has not been confirmed by published transcriptional studies. This variant has not been reported in the literature in individuals with RPL19-related conditions. This variant is not present in population databases (ExAC no frequency). This sequence change falls in intron 2 of the RPL19 gene. It does not directly change the encoded amino acid sequence of the RPL19 protein. It affects a nucleotide within the consensus splice site of the intron.

Literature cited by the submitters: PubMed 17576681; PubMed 9536098.